The following is an entry in ClinVar:

NM_005876.5(SPEG):c.1489G>A (p.Glu497Lys)

Gene: SPEG (striated muscle enriched protein kinase; plus strand). Cytogenetic location: 2q35.
Variant type: single nucleotide variant.
Coding change: c.1489G>A on transcript NM_005876.5 (MANE Select); coding-DNA position 1489, G replaced by A.
Protein change: p.Glu497Lys; replaces glutamic acid 497 with lysine.
Molecular consequence: missense variant.
Genome position (GRCh38, 1-based): chr2:219,448,647, G>A. VCF-style: chr2-219448647-G-A. GRCh37 (hg19) VCF-style: chr2-220313369-G-A.
Other names: short protein forms E497K.
Identifiers: ClinVar variation 2090982 (VCV002090982.4), dbSNP rs2545467505, ClinGen allele CA350720248.

ClinVar aggregate classification (germline): Uncertain significance (1 of 4 stars; one submission).

Allele frequency attached by ClinVar (database versions not stated): gnomAD exomes below 0.00001.
gnomAD v4.1: 2 of 1,491,348 alleles (0.00013%); highest among the groups gnomAD compares: Non-Finnish European, 0.000089%; no homozygotes.

Submission:

Labcorp Genetics (formerly Invitae), Labcorp
Classification: Uncertain significance. Last evaluated: 2025-06-20. Review status: criteria provided, single submitter. Criteria: Invitae Variant Classification Sherloc (09022015). Collection method: clinical testing. Allele origin: germline.
Comment: This sequence change replaces glutamic acid, which is acidic and polar, with lysine, which is basic and polar, at codon 497 of the SPEG protein (p.Glu497Lys). This variant is not present in population databases (gnomAD no frequency). This variant has not been reported in the literature in individuals affected with SPEG-related conditions. ClinVar contains an entry for this variant (Variation ID: 2090982). An algorithm developed to predict the effect of missense changes on protein structure and function (PolyPhen-2) suggests that this variant is likely to be disruptive. In summary, the available evidence is currently insufficient to determine the role of this variant in disease. Therefore, it has been classified as a Variant of Uncertain Significance.